The following is an entry in ClinVar:

NM_001276345.2(TNNT2):c.98-2A>T

Gene: TNNT2 (troponin T2, cardiac type; minus strand). Cytogenetic location: 1q32.1.
Variant type: single nucleotide variant.
Coding change: c.98-2A>T on transcript NM_001276345.2 (MANE Select); the canonical splice acceptor site of the intron before coding-DNA position 98, A replaced by T.
Molecular consequence: splice acceptor variant.
Genome position (GRCh38, 1-based): chr1:201,368,229, T>A on the plus strand (A>T on the coding strand, the complement: TNNT2 is on the minus strand). VCF-style: chr1-201368229-T-A. GRCh37 (hg19) VCF-style: chr1-201337357-T-A.
Other names: c.68-2A>T (NM_001406727.1, NM_001406724.1, NM_001406725.1 and 4 more transcripts); c.53-2A>T (NM_001001432.3, NM_001406728.1); c.98-2A>T (NM_001276346.2, NM_000364.4, NM_001406723.1).
Identifiers: ClinVar variation 3072712 (VCV003072712.1), dbSNP rs2527081389, ClinGen allele CA344207407.

ClinVar aggregate classification (germline): Uncertain significance (1 of 4 stars; one submission).

Conditions:
Cardiomyopathy (CMYO). Also called: Cardiomyopathies. Identifiers: Orphanet 167848, MedGen C0878544, MONDO:0004994, HP:0001638. Inheritance: Various modes of inheritance.

Submission:

All of Us Research Program, National Institutes of Health
Classification: Uncertain significance for Cardiomyopathy. Last evaluated: 2023-08-15. Review status: criteria provided, single submitter. Criteria: ACMG Guidelines, 2015. Collection method: clinical testing. Allele origin: germline. Inheritance: Autosomal dominant inheritance. Observed: 1 variant allele, 1 heterozygote.
Comment: This variant causes an A to T nucleotide substitution at the -2 position of intron 4 of the TNNT2 gene. Splice site prediction tools suggest that this variant may have a significant impact on RNA splicing. To our knowledge, functional studies have not been reported for this variant. This variant has not been reported in individuals affected with TNNT2-related disorders in the literature. This variant has not been identified in the general population by the Genome Aggregation Database (gnomAD). Clinical relevance of loss-of-function TNNT2 truncation splice variants in autosomal dominant cardiovascular disorders is not clearly established. The available evidence is insufficient to determine the role of this variant in disease conclusively. Therefore, this variant is classified as a Variant of Uncertain Significance.

This study involves interpretation of variants in research participants for the purpose of population health screening. Participant phenotype was not available at the time of variant classification. Additional details can be found in publication PMID: 35346344, PMCID: PMC8962531